The following is an entry in ClinVar:

ClinVar aggregate classification (germline): Pathogenic. Review status: criteria provided, multiple submitters, no conflicts (2 of 4 stars). 4 submissions from 4 submitters: Pathogenic (2). 2 of the submissions do not count toward it. Last evaluated 2026-03-19.

Conditions:
Autosomal recessive Robinow syndrome (RRS1). Also called: ROBINOW SYNDROME, AUTOSOMAL RECESSIVE 1; ROR2-Related Robinow Syndrome; COSTOVERTEBRAL SEGMENTATION DEFECT WITH MESOMELIA; COVESDEM SYNDROME. Identifiers: Orphanet 1507, Orphanet 97360, MedGen C5399974, MONDO:0009999, OMIM 268310.

gnomAD v4.1: 2 of 1,613,900 alleles (0.00012%); highest among the groups gnomAD compares: Non-Finnish European, 0.00017%; no homozygotes.

Submissions (4):

GeneDx
Classification: Pathogenic. Last evaluated: 2026-03-19. Review status: criteria provided, single submitter. Criteria: GeneDx Variant Classification Process June 2021. Collection method: clinical testing. Allele origin: germline.
Comment: Not observed at significant frequency in large population cohorts (gnomAD); Nonsense variant predicted to result in protein truncation or nonsense mediated decay in a gene for which loss of function is a known mechanism of disease; This variant is associated with the following publications: (PMID: 25525159, 15952209, 35344616, Displazisi2026[CaseReport])

Genomic Diagnostic Laboratory, Division of Genomic Diagnostics, Children's Hospital of Philadelphia
Classification: Pathogenic. Last evaluated: 2015-12-22. Review status: criteria provided, single submitter. Criteria: DGD Variant Analysis Guidelines. Collection method: clinical testing. Allele origin: unknown.

OMIM
Classification: Pathogenic for ROBINOW SYNDROME, AUTOSOMAL RECESSIVE 1. Last evaluated: 2005-07-15. Review status: no assertion criteria provided. Collection method: literature only. Allele origin: germline. Not counted in ClinVar's aggregate classification.

Lupski Lab, Baylor-Hopkins CMG, Baylor College of Medicine
Classification: Pathogenic for Autosomal recessive Robinow syndrome. Review status: no assertion criteria provided. Collection method: research. Allele origin: unknown. Affected: yes. Observed: 1 variant allele. Not counted in ClinVar's aggregate classification.

Literature cited by the submitters: PubMed 15952209 (cited by OMIM).

NM_004560.4(ROR2):c.355C>T (p.Arg119Ter)

Gene: ROR2 (ROR family WNT receptor 2; minus strand). Cytogenetic location: 9q22.31.
Variant type: single nucleotide variant.
Coding change: c.355C>T on transcript NM_004560.4 (MANE Select); coding-DNA position 355, C replaced by T.
Protein change: p.Arg119Ter; replaces arginine 119 with a stop codon.
Molecular consequence: nonsense.
Genome position (GRCh38, 1-based): chr9:91,757,380, G>A on the plus strand (C>T on the coding strand, the complement: ROR2 is on the minus strand). VCF-style: chr9-91757380-G-A. GRCh37 (hg19) VCF-style: chr9-94519662-G-A.
Other names: c.355C>T, p.Arg119Ter (NM_001318204.2); short protein forms R119*.
Identifiers: ClinVar variation 7314 (VCV000007314.7), dbSNP rs121909087, ClinGen allele CA254149.